The following is an entry in ClinVar:

NM_005235.3(ERBB4):c.3769G>C (p.Asp1257His)

Gene: ERBB4 (erb-b2 receptor tyrosine kinase 4; minus strand). Cytogenetic location: 2q34.
Variant type: single nucleotide variant.
Coding change: c.3769G>C on transcript NM_005235.3 (MANE Select); coding-DNA position 3769, G replaced by C.
Protein change: p.Asp1257His; replaces aspartic acid 1257 with histidine.
Molecular consequence: missense variant.
Genome position (GRCh38, 1-based): chr2:211,383,773, C>G on the plus strand (G>C on the coding strand, the complement: ERBB4 is on the minus strand). VCF-style: chr2-211383773-C-G. GRCh37 (hg19) VCF-style: chr2-212248498-C-G.
Other names: c.3721G>C, p.Asp1241His (NM_001042599.2); short protein forms D1241H, D1257H.
Identifiers: ClinVar variation 3629482 (VCV003629482.2).

ClinVar aggregate classification (germline): Uncertain significance (1 of 4 stars; one submission).

gnomAD v4.1: 9 of 1,613,944 alleles (0.00056%); highest among the groups gnomAD compares: East Asian, 0.02%; no homozygotes.

Submission:

Women's Health and Genetics/Laboratory Corporation of America, LabCorp
Classification: Uncertain significance. Last evaluated: 2024-11-29. Review status: criteria provided, single submitter. Criteria: LabCorp Variant Classification Summary - May 2015. Collection method: clinical testing. Allele origin: germline.
Comment: Variant summary: ERBB4 c.3769G>C (p.Asp1257His) results in a non-conservative amino acid change in the encoded protein sequence. Five of five in-silico tools predict a damaging effect of the variant on protein function. The variant allele was found at a frequency of 5.2e-05 in 251126 control chromosomes. This frequency is not significantly higher than estimated for a pathogenic variant in ERBB4 causing Amyotrophic Lateral Sclerosis Type 19, allowing no conclusion about variant significance. c.3769G>C has been reported in the literature in an individual affected with Amyotrophic Lateral Sclerosis Type 19 but has also been detected in a control subject (Wang_2022). These report(s) do not provide unequivocal conclusions about association of the variant with Amyotrophic Lateral Sclerosis Type 19. To our knowledge, no experimental evidence demonstrating an impact on protein function has been reported. The following publication have been ascertained in the context of this evaluation (PMID: 35481267). No submitters have cited clinical-significance assessments for this variant to ClinVar. Based on the evidence outlined above, the variant was classified as uncertain significance.

Literature cited by the submitters: PubMed 35481267.